The following is an entry in ClinVar:

NM_003590.5(CUL3):c.443G>C (p.Arg148Pro)

Gene: CUL3 (cullin 3; minus strand). Cytogenetic location: 2q36.2.
Variant type: single nucleotide variant.
Coding change: c.443G>C on transcript NM_003590.5 (MANE Select); coding-DNA position 443, G replaced by C.
Protein change: p.Arg148Pro; replaces arginine 148 with proline.
Molecular consequence: missense variant.
Genome position (GRCh38, 1-based): chr2:224,514,708, C>G on the plus strand (G>C on the coding strand, the complement: CUL3 is on the minus strand). VCF-style: chr2-224514708-C-G. GRCh37 (hg19) VCF-style: chr2-225379425-C-G.
Other names: c.245G>C, p.Arg82Pro (NM_001257197.2); c.461G>C, p.Arg154Pro (NM_001257198.2); short protein forms R148P, R154P, R82P.
Identifiers: ClinVar variation 3374709 (VCV003374709.2).
Genomic context (GRCh38, chr2:224,514,708, plus strand): 5'-ATATCCAATAGAGTTTGCCGTAGATGATCCCTAATACACCCATAACGTACAACTTGATCT[C>G]GAAAAATAATTAATCCCAAATTGTAGACGTTCTCCACATTATTTTGTTGTACATACACAC-3'
Protein context (NP_003581.1, residues 138-158): NVYNLGLIIF[Arg148Pro]DQVVRYGCIR

ClinVar aggregate classification (germline): Likely pathogenic (1 of 4 stars; one submission).

Conditions:
Neurodevelopmental disorder with or without autism or seizures (NEDAUS). Identifiers: MedGen C5543225, MONDO:0030994, OMIM 619239.

Submission:

Molecular Genetics Laboratory, Motol Hospital
Classification: Likely pathogenic for Neurodevelopmental disorder with or without autism or seizures. Last evaluated: 2024-11-06. Review status: criteria provided, single submitter. Criteria: ACMG Guidelines, 2015. Collection method: clinical testing. Allele origin: de novo. Affected: yes. Observed: 1 variant allele.
Comment: The variant was confirmed to be of a de novo origin. Rare missense variants affecting the CUL3 gene are well documented as a molecular cause of neurodevelopmental diorder with or without autism or seizures (OMIM:619239) (PMID:32341456;31780330). To conclude, the variant is classified as likely pathogenic (ACMG PM2, PS2, PP2, PP3).

Literature cited by the submitters: PubMed 32341456; PubMed 31780330.